The following is an entry in ClinVar:

NM_004064.5(CDKN1B):c.164C>T (p.Ala55Val)

Gene: CDKN1B (cyclin dependent kinase inhibitor 1B; plus strand). Cytogenetic location: 12p13.1.
Variant type: single nucleotide variant.
Coding change: c.164C>T on transcript NM_004064.5 (MANE Select); coding-DNA position 164, C replaced by T.
Protein change: p.Ala55Val; replaces alanine 55 with valine.
Molecular consequence: missense variant.
Genome position (GRCh38, 1-based): chr12:12,718,003, C>T. VCF-style: chr12-12718003-C-T. GRCh37 (hg19) VCF-style: chr12-12870937-C-T.
Other names: short protein forms A55V.
Identifiers: ClinVar variation 654618 (VCV000654618.13), dbSNP rs765171184, ClinGen allele CA383969131.

ClinVar aggregate classification (germline): Uncertain significance. Review status: criteria provided, multiple submitters, no conflicts (2 of 4 stars). 2 submissions from 2 submitters: Uncertain significance (2). Last evaluated 2026-01-11.

Conditions:
Hereditary cancer-predisposing syndrome. Also called: Neoplastic Syndromes, Hereditary; Hereditary neoplastic syndrome; Hereditary Cancer Syndrome; Tumor predisposition. Identifiers: Orphanet 140162, MedGen C0027672, MeSH D009386, MONDO:0015356.
Multiple endocrine neoplasia type 4. Also called: MULTIPLE ENDOCRINE NEOPLASIA, TYPE IV. Identifiers: Orphanet 276152, MedGen C1970712, MONDO:0012552, OMIM 610755.

Allele frequency attached by ClinVar (database versions not stated): gnomAD exomes below 0.00001 and 0.00001; gnomAD 0.00001.
gnomAD v4.1: 11 of 1,613,984 alleles (0.00068%); highest among the groups gnomAD compares: Middle Eastern, 0.049%; no homozygotes.

Submissions (2):

Labcorp Genetics (formerly Invitae), Labcorp
Classification: Uncertain significance for Multiple endocrine neoplasia type 4. Last evaluated: 2026-01-11. Review status: criteria provided, single submitter. Criteria: Invitae Variant Classification Sherloc (09022015). Collection method: clinical testing. Allele origin: germline.
Comment: This sequence change replaces alanine, which is neutral and non-polar, with valine, which is neutral and non-polar, at codon 55 of the CDKN1B protein (p.Ala55Val). This variant is present in population databases (no rsID available, gnomAD 0.007%). This variant has not been reported in the literature in individuals affected with CDKN1B-related conditions. ClinVar contains an entry for this variant (Variation ID: 654618). An algorithm developed to predict the effect of missense changes on protein structure and function (PolyPhen-2) suggests that this variant is likely to be disruptive. RNA analysis performed to evaluate the impact of this missense change on mRNA splicing indicates it does not significantly alter splicing (internal data). In summary, the available evidence is currently insufficient to determine the role of this variant in disease. Therefore, it has been classified as a Variant of Uncertain Significance.

Ambry Genetics
Classification: Uncertain significance for Hereditary cancer-predisposing syndrome. Last evaluated: 2024-01-04. Review status: criteria provided, single submitter. Criteria: Ambry Variant Classification Scheme 2023. Collection method: clinical testing. Allele origin: germline.
Comment: The p.A55V variant (also known as c.164C>T), located in coding exon 1 of the CDKN1B gene, results from a C to T substitution at nucleotide position 164. The alanine at codon 55 is replaced by valine, an amino acid with similar properties. This amino acid position is not well conserved in available vertebrate species. In addition, this alteration is predicted to be tolerated by in silico analysis. Since supporting evidence is limited at this time, the clinical significance of this alteration remains unclear.

Literature cited by the submitters: PubMed 22026581 (cited by Ambry Genetics).